The following is an entry in ClinVar:

ClinVar aggregate classification (germline): Uncertain significance (1 of 4 stars; one submission).

Allele frequency attached by ClinVar (database versions not stated): TOPMed 0.00001; ESP Exome Variant Server 0.00008.
gnomAD v4.1: 5 of 1,614,134 alleles (0.00031%); highest among the groups gnomAD compares: Non-Finnish European, 0.00042%; no homozygotes.

Submission:

Labcorp Genetics (formerly Invitae), Labcorp
Classification: Uncertain significance. Last evaluated: 2025-07-14. Review status: criteria provided, single submitter. Criteria: Invitae Variant Classification Sherloc (09022015). Collection method: clinical testing. Allele origin: germline.
Comment: This sequence change replaces glutamic acid, which is acidic and polar, with aspartic acid, which is acidic and polar, at codon 517 of the CSGALNACT1 protein (p.Glu517Asp). This variant is not present in population databases (gnomAD no frequency). This variant has not been reported in the literature in individuals affected with CSGALNACT1-related conditions. ClinVar contains an entry for this variant (Variation ID: 1519757). An algorithm developed to predict the effect of missense changes on protein structure and function (PolyPhen-2) suggests that this variant is likely to be tolerated. In summary, the available evidence is currently insufficient to determine the role of this variant in disease. Therefore, it has been classified as a Variant of Uncertain Significance.

NM_001354483.2(CSGALNACT1):c.1551G>C (p.Glu517Asp)

Gene: CSGALNACT1 (chondroitin sulfate N-acetylgalactosaminyltransferase 1; minus strand). Cytogenetic location: 8p21.3.
Variant type: single nucleotide variant.
Coding change: c.1551G>C on transcript NM_001354483.2 (MANE Select); coding-DNA position 1551, G replaced by C.
Protein change: p.Glu517Asp; replaces glutamic acid 517 with aspartic acid.
Molecular consequence: missense variant. On other transcripts: non-coding transcript variant (7).
Genome position (GRCh38, 1-based): chr8:19,405,828, C>G on the plus strand (G>C on the coding strand, the complement: CSGALNACT1 is on the minus strand). VCF-style: chr8-19405828-C-G. GRCh37 (hg19) VCF-style: chr8-19263339-C-G.
Other names: c.1551G>C, p.Glu517Asp (NM_001130518.2, NM_001354475.2, NM_001354476.2 and 18 more transcripts); c.1551G>C (NM_001130518.1); short protein forms E517D.
Identifiers: ClinVar variation 1519757 (VCV001519757.7), dbSNP rs148625452, ClinGen allele CA173292191.